The following is an entry in ClinVar:

NM_002180.3(IGHMBP2):c.467del (p.Lys156fs)

Gene: IGHMBP2 (immunoglobulin mu DNA binding protein 2; plus strand). Cytogenetic location: 11q13.3.
Variant type: Deletion.
Coding change: c.467del on transcript NM_002180.3 (MANE Select); coding-DNA position 467, one base deleted (A; older notation c.467delA).
Protein change: p.Lys156fs; shifts the reading frame from lysine 156.
Molecular consequence: frameshift variant.
Genome position (GRCh38, 1-based): chr11:68,908,551, A deleted; the last of 3 consecutive A bases (chr11:68,908,549-68,908,551); deleting any one gives the same sequence. VCF-style (leftmost placement, unchanged base first): chr11-68908548-TA-T. GRCh37 (hg19) VCF-style: chr11-68676016-TA-T.
Other names: short protein forms K156fs.
Identifiers: ClinVar variation 1393140 (VCV001393140.6), dbSNP rs2154006724, ClinGen allele CA2573147676.

ClinVar aggregate classification (germline): Pathogenic (1 of 4 stars; one submission).

Conditions:
Charcot-Marie-Tooth disease axonal type 2S. Also called: CHARCOT-MARIE-TOOTH NEUROPATHY, TYPE 2S; CHARCOT-MARIE-TOOTH DISEASE, AXONAL, AUTOSOMAL RECESSIVE, TYPE 2S. Identifiers: Orphanet 443073, MedGen C4015349, MONDO:0014511, OMIM 616155.
Autosomal recessive distal spinal muscular atrophy 1. Also called: NEURONOPATHY, DISTAL HEREDITARY MOTOR, HARDING TYPE VI; NEUROPATHY, DISTAL HEREDITARY MOTOR, AUTOSOMAL RECESSIVE 1; HMN VI; NEURONOPATHY, SEVERE INFANTILE AXONAL, WITH RESPIRATORY FAILURE; SEVERE INFANTILE AXONAL NEUROPATHY WITH RESPIRATORY FAILURE; SPINAL MUSCULAR ATROPHY, DIAPHRAGMATIC. Identifiers: Orphanet 98920, MedGen C1858517, MONDO:0011436, OMIM 604320.

Submission:

Labcorp Genetics (formerly Invitae), Labcorp
Classification: Pathogenic for Autosomal recessive distal spinal muscular atrophy 1; Charcot-Marie-Tooth disease axonal type 2S. Last evaluated: 2021-06-20. Review status: criteria provided, single submitter. Criteria: Invitae Variant Classification Sherloc (09022015). Collection method: clinical testing. Allele origin: germline.
Comment: This variant is not present in population databases (ExAC no frequency). This sequence change creates a premature translational stop signal (p.Lys156Argfs*12) in the IGHMBP2 gene. It is expected to result in an absent or disrupted protein product. Loss-of-function variants in IGHMBP2 are known to be pathogenic (PMID: 14681881). This variant has not been reported in the literature in individuals with IGHMBP2-related conditions. For these reasons, this variant has been classified as Pathogenic.

Literature cited by the submitters: PubMed 14681881.